The following is an entry in ClinVar:

ClinVar aggregate classification (germline): Uncertain significance (1 of 4 stars; one submission).

Submission:

GeneDx
Classification: Uncertain significance. Last evaluated: 2024-09-16. Review status: criteria provided, single submitter. Criteria: GeneDx Variant Classification Process June 2021. Collection method: clinical testing. Allele origin: germline. Affected: yes.
Comment: Not observed at significant frequency in large population cohorts (gnomAD); In silico analysis indicates that this missense variant does not alter protein structure/function; Has not been previously published as pathogenic or benign to our knowledge

NM_001379403.1(WDR26):c.2258A>C (p.Glu753Ala)

Gene: WDR26 (WD repeat domain 26; minus strand). Cytogenetic location: 1q42.11.
Variant type: single nucleotide variant.
Coding change: c.2258A>C on transcript NM_001379403.1 (MANE Select); coding-DNA position 2258, A replaced by C.
Protein change: p.Glu753Ala; replaces glutamic acid 753 with alanine.
Molecular consequence: missense variant.
Genome position (GRCh38, 1-based): chr1:224,393,830, T>G on the plus strand (A>C on the coding strand, the complement: WDR26 is on the minus strand). VCF-style: chr1-224393830-T-G. GRCh37 (hg19) VCF-style: chr1-224581532-T-G.
Other names: c.1910A>C, p.Glu637Ala (NM_001115113.3); c.1958A>C, p.Glu653Ala (NM_025160.7); short protein forms E637A, E653A, E753A.
Identifiers: ClinVar variation 3769747 (VCV003769747.1).